The following is an entry in ClinVar:

NM_001159773.2(CANT1):c.291A>G (p.Gln97=)

Gene: CANT1 (calcium activated nucleotidase 1; minus strand). Cytogenetic location: 17q25.3.
Variant type: single nucleotide variant.
Coding change: c.291A>G on transcript NM_001159773.2 (MANE Select); coding-DNA position 291, A replaced by G.
Protein change: p.Gln97=; no amino-acid change (glutamine 97 retained).
Molecular consequence: synonymous variant.
Genome position (GRCh38, 1-based): chr17:78,997,332, T>C on the plus strand (A>G on the coding strand, the complement: CANT1 is on the minus strand). VCF-style: chr17-78997332-T-C. GRCh37 (hg19) VCF-style: chr17-76993414-T-C.
Other names: c.291A>G, p.Gln97= (NM_001159772.2, NM_138793.4).
Identifiers: ClinVar variation 1391912 (VCV001391912.8), dbSNP rs752996676, ClinGen allele CA8808763.

ClinVar aggregate classification (germline): Uncertain significance (1 of 4 stars; one submission).

Allele frequency attached by ClinVar (database versions not stated): gnomAD exomes below 0.00001; ExAC 0.00001.
gnomAD v4.1: 1 of 1,614,062 alleles (0.000062%); highest among the groups gnomAD compares: Non-Finnish European, 0.000085%; no homozygotes.

Submission:

Labcorp Genetics (formerly Invitae), Labcorp
Classification: Uncertain significance. Last evaluated: 2021-04-29. Review status: criteria provided, single submitter. Criteria: Invitae Variant Classification Sherloc (09022015). Collection method: clinical testing. Allele origin: germline.
Comment: This sequence change affects codon 97 of the CANT1 mRNA. It is a 'silent' change, meaning that it does not change the encoded amino acid sequence of the CANT1 protein. This variant is present in population databases (rs752996676, ExAC 0.002%). In summary, the available evidence is currently insufficient to determine the role of this variant in disease. Therefore, it has been classified as a Variant of Uncertain Significance. Algorithms developed to predict the effect of sequence changes on RNA splicing suggest that this variant may create or strengthen a splice site, but this prediction has not been confirmed by published transcriptional studies. This variant has not been reported in the literature in individuals with CANT1-related conditions.